The following is an entry in ClinVar:

ClinVar aggregate classification (germline): Likely benign. Review status: criteria provided, single submitter (1 of 4 stars). 2 submissions from 2 submitters: Likely benign (1). 1 of the submissions does not count toward it. Last evaluated 2025-11-10.

Conditions:
DNAH1-related disorder. Also called: DNAH1-related condition.
Ciliary dyskinesia, primary, 37 (CILD37). Also called: CILIARY DYSKINESIA, PRIMARY, 37, WITH OR WITHOUT SITUS INVERSUS. Identifiers: MedGen C4539798, MONDO:0033204, OMIM 617577.
Spermatogenic failure 18. Identifiers: MedGen C4539783, MONDO:0054615, OMIM 617576.

Allele frequency attached by ClinVar (database versions not stated): gnomAD exomes 0.00001; TOPMed 0.00001; ExAC 0.00001; gnomAD 0.00001; ESP Exome Variant Server 0.00008.
gnomAD v4.1: 21 of 1,611,232 alleles (0.0013%); highest among the groups gnomAD compares: Non-Finnish European, 0.0016%; no homozygotes.

Submissions (2):

Labcorp Genetics (formerly Invitae), Labcorp
Classification: Likely benign for Ciliary dyskinesia, primary, 37; Spermatogenic failure 18. Last evaluated: 2025-11-10. Review status: criteria provided, single submitter. Criteria: Invitae Variant Classification Sherloc (09022015). Collection method: clinical testing. Allele origin: germline.

PreventionGenetics, part of Exact Sciences
Classification: Likely benign for DNAH1-related condition. Last evaluated: 2019-08-02. Review status: no assertion criteria provided. Collection method: clinical testing. Allele origin: germline. Not counted in ClinVar's aggregate classification.
Comment: This variant is classified as likely benign based on ACMG/AMP sequence variant interpretation guidelines (Richards et al. 2015 PMID: 25741868, with internal and published modifications).

NM_015512.5(DNAH1):c.4914C>T (p.Ile1638=)

Gene: DNAH1 (dynein axonemal heavy chain 1; plus strand). Cytogenetic location: 3p21.1.
Variant type: single nucleotide variant.
Coding change: c.4914C>T on transcript NM_015512.5 (MANE Select); coding-DNA position 4914, C replaced by T.
Protein change: p.Ile1638=; no amino-acid change (isoleucine 1638 retained).
Molecular consequence: synonymous variant.
Genome position (GRCh38, 1-based): chr3:52,361,700, C>T. VCF-style: chr3-52361700-C-T. GRCh37 (hg19) VCF-style: chr3-52395716-C-T.
Other names: c.4914C>T (NM_015512.4).
Identifiers: ClinVar variation 2924698 (VCV002924698.5), dbSNP rs375683103, ClinGen allele CA2434032.